The following is an entry in ClinVar:

ClinVar aggregate classification (germline): Uncertain significance (1 of 4 stars; one submission).

Allele frequency attached by ClinVar (database versions not stated): gnomAD 0.00001; TOPMed 0.00003.
gnomAD v4.1: 8 of 1,614,080 alleles (0.0005%); highest among the groups gnomAD compares: African/African-American, 0.0053%; no homozygotes.

Submission:

Labcorp Genetics (formerly Invitae), Labcorp
Classification: Uncertain significance. Last evaluated: 2023-12-13. Review status: criteria provided, single submitter. Criteria: Invitae Variant Classification Sherloc (09022015). Collection method: clinical testing. Allele origin: germline.
Comment: This sequence change replaces alanine, which is neutral and non-polar, with threonine, which is neutral and polar, at codon 230 of the ZMIZ1 protein (p.Ala230Thr). This variant is not present in population databases (gnomAD no frequency). This variant has not been reported in the literature in individuals affected with ZMIZ1-related conditions. ClinVar contains an entry for this variant (Variation ID: 2186092). Advanced modeling of protein sequence and biophysical properties (such as structural, functional, and spatial information, amino acid conservation, physicochemical variation, residue mobility, and thermodynamic stability) performed at Invitae indicates that this missense variant is not expected to disrupt ZMIZ1 protein function with a negative predictive value of 80%. In summary, the available evidence is currently insufficient to determine the role of this variant in disease. Therefore, it has been classified as a Variant of Uncertain Significance.

NM_020338.4(ZMIZ1):c.688G>A (p.Ala230Thr)

Gene: ZMIZ1 (zinc finger MIZ-type containing 1; plus strand). Cytogenetic location: 10q22.3.
Variant type: single nucleotide variant.
Coding change: c.688G>A on transcript NM_020338.4 (MANE Select); coding-DNA position 688, G replaced by A.
Protein change: p.Ala230Thr; replaces alanine 230 with threonine.
Molecular consequence: missense variant.
Genome position (GRCh38, 1-based): chr10:79,291,106, G>A. VCF-style: chr10-79291106-G-A. GRCh37 (hg19) VCF-style: chr10-81050863-G-A.
Other names: short protein forms A230T.
Identifiers: ClinVar variation 2186092 (VCV002186092.4), dbSNP rs757894239, ClinGen allele CA377332520.
Genomic context (GRCh38, chr10:79,291,106, plus strand): 5'-GGCCTCAACTCCCCACAGTTTGCGGGGCAGCAGCAGCAGTTCTCAGCCAAGGCTGGCCCC[G>A]CTCAGCCCTACATCCAGCAGAGCATGTATGGCCGGCCCAACTACCCCGGCAGCGGGGGCT-3'
Protein context (NP_065071.1, residues 220-240): QQQFSAKAGP[Ala230Thr]QPYIQQSMYG